The following is an entry in ClinVar:

ClinVar aggregate classification (germline): Uncertain significance (1 of 4 stars; one submission).

Submission:

Labcorp Genetics (formerly Invitae), Labcorp
Classification: Uncertain significance. Last evaluated: 2025-05-02. Review status: criteria provided, single submitter. Criteria: Invitae Variant Classification Sherloc (09022015). Collection method: clinical testing. Allele origin: germline.
Comment: This sequence change replaces valine, which is neutral and non-polar, with leucine, which is neutral and non-polar, at codon 50 of the PACS2 protein (p.Val50Leu). This variant is not present in population databases (gnomAD no frequency). This variant has not been reported in the literature in individuals affected with PACS2-related conditions. An algorithm developed to predict the effect of missense changes on protein structure and function (PolyPhen-2) suggests that this variant is likely to be tolerated. In summary, the available evidence is currently insufficient to determine the role of this variant in disease. Therefore, it has been classified as a Variant of Uncertain Significance.

NM_001100913.3(PACS2):c.148G>T (p.Val50Leu)

Gene: PACS2 (phosphofurin acidic cluster sorting protein 2; plus strand). Cytogenetic location: 14q32.33.
Variant type: single nucleotide variant.
Coding change: c.148G>T on transcript NM_001100913.3 (MANE Select); coding-DNA position 148, G replaced by T.
Protein change: p.Val50Leu; replaces valine 50 with leucine.
Molecular consequence: missense variant. On other transcripts: 5 prime UTR variant (1).
Genome position (GRCh38, 1-based): chr14:105,348,521, G>T. VCF-style: chr14-105348521-G-T. GRCh37 (hg19) VCF-style: chr14-105814858-G-T.
Other names: c.-54G>T (NM_001243127.3); c.148G>T, p.Val50Leu (NM_015197.4); short protein forms V50L.
Identifiers: ClinVar variation 4718811 (VCV004718811.1).